The following is an entry in ClinVar:

NM_145046.5(CALR3):c.476A>C (p.Lys159Thr)

Gene: CALR3 (calreticulin 3; minus strand). Cytogenetic location: 19p13.11.
Variant type: single nucleotide variant.
Coding change: c.476A>C on transcript NM_145046.5 (MANE Select); coding-DNA position 476, A replaced by C.
Protein change: p.Lys159Thr; replaces lysine 159 with threonine.
Molecular consequence: missense variant.
Genome position (GRCh38, 1-based): chr19:16,485,179, T>G on the plus strand (A>C on the coding strand, the complement: CALR3 is on the minus strand). VCF-style: chr19-16485179-T-G. GRCh37 (hg19) VCF-style: chr19-16595990-T-G.
Other names: short protein forms K159T.
Identifiers: ClinVar variation 1016368 (VCV001016368.9), dbSNP rs2093387315, ClinGen allele CA404610596.

ClinVar aggregate classification (germline): Uncertain significance (1 of 4 stars; one submission).

Conditions:
Hypertrophic cardiomyopathy 19. Also called: Familial hypertrophic cardiomyopathy 19. Identifiers: MedGen CN077603, MONDO:0013476.

Allele frequency attached by ClinVar (database versions not stated): gnomAD exomes below 0.00001.
gnomAD v4.1: 4 of 1,604,076 alleles (0.00025%); highest among the groups gnomAD compares: Non-Finnish European, 0.00034%; no homozygotes.

Submission:

Labcorp Genetics (formerly Invitae), Labcorp
Classification: Uncertain significance for Hypertrophic cardiomyopathy 19. Last evaluated: 2020-09-07. Review status: criteria provided, single submitter. Criteria: Invitae Variant Classification Sherloc (09022015). Collection method: clinical testing. Allele origin: germline.
Comment: This variant is not present in population databases (ExAC no frequency). This sequence change replaces lysine with threonine at codon 159 of the CALR3 protein (p.Lys159Thr). The lysine residue is highly conserved and there is a moderate physicochemical difference between lysine and threonine. This variant has not been reported in the literature in individuals with CALR3-related conditions. Algorithms developed to predict the effect of missense changes on protein structure and function are either unavailable or do not agree on the potential impact of this missense change (SIFT: "Tolerated"; PolyPhen-2: "Possibly Damaging"; Align-GVGD: "Class C0"). In summary, the available evidence is currently insufficient to determine the role of this variant in disease. Therefore, it has been classified as a Variant of Uncertain Significance.